The following is an entry in ClinVar:

ClinVar aggregate classification (germline): Conflicting classifications of pathogenicity. Review status: criteria provided, conflicting classifications (1 of 4 stars). 2 submissions from 2 submitters: Uncertain significance (1); Likely benign (1). Last evaluated 2025-11-23.

Conditions:
Inborn genetic diseases. Identifiers: MedGen C0950123, MeSH D030342.

Allele frequency attached by ClinVar (database versions not stated): gnomAD 0.00001; ESP Exome Variant Server 0.00008.
gnomAD v4.1: 3 of 1,613,842 alleles (0.00019%); highest among the groups gnomAD compares: East Asian, 0.0045%; no homozygotes.

Submissions (2):

Labcorp Genetics (formerly Invitae), Labcorp
Classification: Uncertain significance. Last evaluated: 2025-11-23. Review status: criteria provided, single submitter. Criteria: Invitae Variant Classification Sherloc (09022015). Collection method: clinical testing. Allele origin: germline.
Comment: This sequence change replaces glutamine, which is neutral and polar, with glutamic acid, which is acidic and polar, at codon 73 of the MBD4 protein (p.Gln73Glu). This variant is not present in population databases (gnomAD no frequency). This variant has not been reported in the literature in individuals affected with MBD4-related conditions. ClinVar contains an entry for this variant (Variation ID: 2025937). An algorithm developed to predict the effect of missense changes on protein structure and function (PolyPhen-2) suggests that this variant is likely to be tolerated. In summary, the available evidence is currently insufficient to determine the role of this variant in disease. Therefore, it has been classified as a Variant of Uncertain Significance.

Ambry Genetics
Classification: Likely benign for Inborn genetic diseases. Last evaluated: 2025-05-12. Review status: criteria provided, single submitter. Criteria: Ambry Variant Classification Scheme 2023. Collection method: clinical testing. Allele origin: germline.

NM_001276270.2(MBD4):c.217C>G (p.Gln73Glu)

Gene: MBD4 (methyl-CpG binding domain 4, DNA glycosylase; minus strand). Cytogenetic location: 3q21.3.
Variant type: single nucleotide variant.
Coding change: c.217C>G on transcript NM_001276270.2 (MANE Select); coding-DNA position 217, C replaced by G.
Protein change: p.Gln73Glu; replaces glutamine 73 with glutamic acid.
Molecular consequence: missense variant.
Genome position (GRCh38, 1-based): chr3:129,437,838, G>C on the plus strand (C>G on the coding strand, the complement: MBD4 is on the minus strand). VCF-style: chr3-129437838-G-C. GRCh37 (hg19) VCF-style: chr3-129156681-G-C.
Other names: c.217C>G, p.Gln73Glu (NM_001276271.2, NM_001276272.2, NM_001276273.2 and 1 more transcripts); short protein forms Q73E.
Identifiers: ClinVar variation 2025937 (VCV002025937.5), dbSNP rs148098584, ClinGen allele CA2605582.
Genomic context (GRCh38, chr3:129,437,838, plus strand): 5'-CTCTTTCCCATCCACATGGGACAGACTTACGGCATTCTGTTCCTGCAGTAGCACCAAACT[G>C]AGCAGAAGCGATGGGTTCTTGTAGCAAGGGATTACATTCACTGCTTCTTTTTATCATCAT-3'
Protein context (NP_001263199.1, residues 63-83): PLLQEPIASA[Gln73Glu]FGATAGTECR